The following is an entry in ClinVar:

ClinVar aggregate classification (germline): Pathogenic (1 of 4 stars; one submission).

Submission:

Labcorp Genetics (formerly Invitae), Labcorp
Classification: Pathogenic. Last evaluated: 2023-09-25. Review status: criteria provided, single submitter. Criteria: Invitae Variant Classification Sherloc (09022015). Collection method: clinical testing. Allele origin: germline.
Comment: This variant is a gross deletion of the genomic region encompassing exon(s) 21 of the CNGB1 gene. This deletion is out-of-frame, and is expected to create a premature termination codon and result in an absent or disrupted protein product. Loss-of-function variants in CNGB1 are known to be pathogenic (PMID: 15557452, 24043777). This variant has not been reported in the literature in individuals affected with CNGB1-related conditions. For these reasons, this variant has been classified as Pathogenic.

Literature cited by the submitters: PubMed 15557452; PubMed 24043777.

NC_000016.9:g.(?_57951152)_(57951400_?)del

Gene: CNGB1 (cyclic nucleotide gated channel subunit beta 1; minus strand). Cytogenetic location: 16q21.
Variant type: Deletion.
Identifiers: ClinVar variation 1410292 (VCV001410292.5).